The following is an entry in ClinVar:

ClinVar aggregate classification (germline): Uncertain significance. Review status: criteria provided, multiple submitters, no conflicts (2 of 4 stars). 2 submissions from 2 submitters: Uncertain significance (2). Last evaluated 2025-07-06.

Conditions:
Cardiovascular phenotype. Identifiers: MedGen CN230736.
Arrhythmogenic cardiomyopathy with wooly hair and keratoderma. Also called: PALMOPLANTAR KERATODERMA WITH LEFT VENTRICULAR CARDIOMYOPATHY AND WOOLLY HAIR; Carvajal syndrome; Dilated cardiomyopathy with woolly hair and keratoderma; Arrhythmogenic cardiomyopathy with woolly hair and keratoderma. Identifiers: Orphanet 65282, MedGen C1854063, MONDO:0011581, OMIM 605676.
Arrhythmogenic right ventricular dysplasia 8 (ARVD8). Also called: Arrhythmogenic Right Ventricular Dysplasia/Cardiomyopathy 8; ARRHYTHMOGENIC RIGHT VENTRICULAR DYSPLASIA, FAMILIAL, 8; ARRHYTHMOGENIC RIGHT VENTRICULAR CARDIOMYOPATHY 8. Identifiers: MedGen C1843896, MONDO:0011831, OMIM 607450.

Submissions (2):

Labcorp Genetics (formerly Invitae), Labcorp
Classification: Uncertain significance for Arrhythmogenic cardiomyopathy with wooly hair and keratoderma; Arrhythmogenic right ventricular dysplasia 8. Last evaluated: 2025-07-06. Review status: criteria provided, single submitter. Criteria: Invitae Variant Classification Sherloc (09022015). Collection method: clinical testing. Allele origin: germline.
Comment: This sequence change replaces leucine, which is neutral and non-polar, with proline, which is neutral and non-polar, at codon 354 of the DSP protein (p.Leu354Pro). This variant is not present in population databases (gnomAD no frequency). This missense change has been observed in individual(s) with DSP-related conditions (PMID: 35438637, 38383124). ClinVar contains an entry for this variant (Variation ID: 1780468). An algorithm developed to predict the effect of missense changes on protein structure and function (PolyPhen-2) suggests that this variant is likely to be disruptive. In summary, the available evidence is currently insufficient to determine the role of this variant in disease. Therefore, it has been classified as a Variant of Uncertain Significance.

Ambry Genetics
Classification: Uncertain significance for Cardiovascular phenotype. Last evaluated: 2022-09-13. Review status: criteria provided, single submitter. Criteria: Ambry Variant Classification Scheme 2023. Collection method: clinical testing. Allele origin: germline.
Comment: The p.L354P variant (also known as c.1061T>C), located in coding exon 9 of the DSP gene, results from a T to C substitution at nucleotide position 1061. The leucine at codon 354 is replaced by proline, an amino acid with similar properties. This amino acid position is conserved. In addition, this alteration is predicted to be deleterious by in silico analysis. Since supporting evidence is limited at this time, the clinical significance of this alteration remains unclear.

Literature cited by the submitters: PubMed 35438637 (cited by Labcorp Genetics (formerly Invitae), Labcorp); PubMed 38383124 (cited by Labcorp Genetics (formerly Invitae), Labcorp).

NM_004415.4(DSP):c.1061T>C (p.Leu354Pro)

Gene: DSP (desmoplakin; plus strand). Cytogenetic location: 6p24.3.
Variant type: single nucleotide variant.
Coding change: c.1061T>C on transcript NM_004415.4 (MANE Select); coding-DNA position 1061, T replaced by C.
Protein change: p.Leu354Pro; replaces leucine 354 with proline.
Molecular consequence: missense variant.
Genome position (GRCh38, 1-based): chr6:7,567,370, T>C. VCF-style: chr6-7567370-T-C. GRCh37 (hg19) VCF-style: chr6-7567603-T-C.
Other names: c.1061T>C, p.Leu354Pro (NM_001008844.3, NM_001319034.2, NM_001406591.1); short protein forms L354P.
Identifiers: ClinVar variation 1780468 (VCV001780468.5), dbSNP rs2533879655, ClinGen allele CA362675504.